The following is an entry in ClinVar:

ClinVar aggregate classification (germline): Uncertain significance. Review status: criteria provided, multiple submitters, no conflicts (2 of 4 stars). 4 submissions from 4 submitters: Uncertain significance (4). Last evaluated 2026-01-28.

Conditions:
Pitt-Hopkins-like syndrome 2 (PTHSL2). Identifiers: Orphanet 221150, Orphanet 600663, MedGen C3280479, MONDO:0013690, OMIM 614325.
Inborn genetic diseases. Identifiers: MedGen C0950123, MeSH D030342.

Allele frequency attached by ClinVar (database versions not stated): gnomAD exomes below 0.00001; ExAC 0.00001; gnomAD 0.00001 and 0.00002; TOPMed 0.00002; ESP Exome Variant Server 0.00015.
gnomAD v4.1: 4 of 1,613,772 alleles (0.00025%); highest among the groups gnomAD compares: African/African-American, 0.0053%; no homozygotes.

Submissions (4):

Labcorp Genetics (formerly Invitae), Labcorp
Classification: Uncertain significance for Pitt-Hopkins-like syndrome 2. Last evaluated: 2026-01-28. Review status: criteria provided, single submitter. Criteria: Invitae Variant Classification Sherloc (09022015). Collection method: clinical testing. Allele origin: germline.
Comment: This sequence change falls in intron 22 of the NRXN1 gene. It does not directly change the encoded amino acid sequence of the NRXN1 protein. It affects a nucleotide within the consensus splice site. This variant is present in population databases (rs375738111, gnomAD 0.008%). This variant has not been reported in the literature in individuals affected with NRXN1-related conditions. ClinVar contains an entry for this variant (Variation ID: 1391571). Variants that disrupt the consensus splice site are a relatively common cause of aberrant splicing (PMID: 17576681, 9536098). Algorithms developed to predict the effect of sequence changes on RNA splicing suggest that this variant is not likely to affect RNA splicing. In summary, the available evidence is currently insufficient to determine the role of this variant in disease. Therefore, it has been classified as a Variant of Uncertain Significance.

ARUP Laboratories, Molecular Genetics and Genomics, ARUP Laboratories
Classification: Uncertain significance. Last evaluated: 2024-09-17. Review status: criteria provided, single submitter. Criteria: ARUP Molecular Germline Variant Investigation Process 2024. Collection method: clinical testing. Allele origin: germline.

GeneDx
Classification: Uncertain significance. Last evaluated: 2024-09-16. Review status: criteria provided, single submitter. Criteria: GeneDx Variant Classification Process June 2021. Collection method: clinical testing. Allele origin: germline. Affected: yes.
Comment: Not observed at significant frequency in large population cohorts (gnomAD); Has not been previously published as pathogenic or benign to our knowledge; In silico analysis is inconclusive as to whether the variant alters gene splicing. In the absence of RNA/functional studies, the actual effect of this sequence change is unknown.

Ambry Genetics
Classification: Uncertain significance for Inborn genetic diseases. Last evaluated: 2022-03-29. Review status: criteria provided, single submitter. Criteria: Ambry Variant Classification Scheme 2023. Collection method: clinical testing. Allele origin: germline.
Comment: The c.4248+4A>G intronic alteration results from an A to G substitution 4 nucleotides after coding exon 21 of the NRXN1 gene. Based on data from gnomAD, the G allele has an overall frequency of 0.003% (1/31402) total alleles studied. The highest observed frequency was 0.01% (1/8710) of African alleles. This nucleotide position is highly conserved in available vertebrate species. In silico splice site analysis for this alteration is inconclusive. Based on insufficient or conflicting evidence, the clinical significance of this alteration remains unclear.

Literature cited by the submitters: PubMed 17576681 (cited by Labcorp Genetics (formerly Invitae), Labcorp); PubMed 9536098 (cited by Labcorp Genetics (formerly Invitae), Labcorp).

NM_001330078.2(NRXN1):c.4128+4A>G

Gene: NRXN1 (neurexin 1; minus strand). Cytogenetic location: 2p16.3.
Variant type: single nucleotide variant.
Coding change: c.4128+4A>G on transcript NM_001330078.2 (MANE Select); 4 bases into the intron after coding-DNA position 4128, A replaced by G.
Molecular consequence: intron variant.
Genome position (GRCh38, 1-based): chr2:50,053,267, T>C on the plus strand (A>G on the coding strand, the complement: NRXN1 is on the minus strand). VCF-style: chr2-50053267-T-C. GRCh37 (hg19) VCF-style: chr2-50280405-T-C.
Other names: c.3927+4A>G (NM_001330096.2, NM_001330087.2); c.3972+4A>G (NM_001330083.2); c.4062+4A>G (NM_001330084.2); c.3957+4A>G (NM_001330088.2); c.4125+4A>G (NM_001330093.2); c.4116+4A>G (NM_001330094.2); c.3987+4A>G (NM_001330095.2); c.4104+4A>G (NM_001330082.2, NM_001330077.2); and 6 more.
Identifiers: ClinVar variation 1391571 (VCV001391571.9), dbSNP rs375738111, ClinGen allele CA1654300.